The following is an entry in ClinVar:

ClinVar aggregate classification (germline): Pathogenic (1 of 4 stars; one submission).

Submission:

Labcorp Genetics (formerly Invitae), Labcorp
Classification: Pathogenic. Last evaluated: 2025-09-08. Review status: criteria provided, single submitter. Criteria: Invitae Variant Classification Sherloc (09022015). Collection method: clinical testing. Allele origin: germline.
Comment: This sequence change replaces glutamic acid, which is acidic and polar, with aspartic acid, which is acidic and polar, at codon 306 of the BEST1 protein (p.Glu306Asp). This variant is not present in population databases (gnomAD no frequency). This missense change has been observed in individuals with clinical features of autosomal dominant BEST1-related conditions (PMID: 10798642, 26201355; internal data). ClinVar contains an entry for this variant (Variation ID: 2117106). Invitae Evidence Modeling of protein sequence and biophysical properties (such as structural, functional, and spatial information, amino acid conservation, physicochemical variation, residue mobility, and thermodynamic stability) indicates that this missense variant is expected to disrupt BEST1 protein function with a positive predictive value of 95%. This variant disrupts the p.Glu306 amino acid residue in BEST1. Other variant(s) that disrupt this residue have been observed in individuals with BEST1-related conditions (PMID: 10798642), which suggests that this may be a clinically significant amino acid residue. For these reasons, this variant has been classified as Pathogenic.

Literature cited by the submitters: PubMed 10798642; PubMed 26201355.

NM_004183.4(BEST1):c.918G>T (p.Glu306Asp)

Gene: BEST1 (bestrophin 1; plus strand). Cytogenetic location: 11q12.3.
Variant type: single nucleotide variant.
Coding change: c.918G>T on transcript NM_004183.4 (MANE Select); coding-DNA position 918, G replaced by T.
Protein change: p.Glu306Asp; replaces glutamic acid 306 with aspartic acid.
Molecular consequence: missense variant. On other transcripts: non-coding transcript variant (1), intron variant (1).
Genome position (GRCh38, 1-based): chr11:61,959,548, G>T. VCF-style: chr11-61959548-G-T. GRCh37 (hg19) VCF-style: chr11-61727020-G-T.
Other names: c.600G>T, p.Glu200Asp (NM_001363591.3); c.1121G>T, p.Arg374Ile (NM_001363592.2); c.-55G>T (NM_001363593.3); c.688-344G>T (NM_001300786.2); c.738G>T, p.Glu246Asp (NM_001139443.3, NM_001300787.2); short protein forms E306D, R374I, E200D, E246D.
Identifiers: ClinVar variation 2117106 (VCV002117106.4), dbSNP rs281865267, ClinGen allele CA380843982.